The following is an entry in ClinVar:

ClinVar aggregate classification (germline): Conflicting classifications of pathogenicity. Review status: criteria provided, conflicting classifications (1 of 4 stars). 6 submissions from 5 submitters: Uncertain significance (2); Likely benign (3). 1 of the submissions does not count toward it. Last evaluated 2025-12-02.

Conditions:
Paget disease of bone 2, early-onset (PDB2). Also called: Paget disease of bone 2. Identifiers: MedGen C4085251, MONDO:0011183, OMIM 602080.
Autosomal recessive osteopetrosis 7. Identifiers: Orphanet 178389, MedGen C2676766, MONDO:0012859, OMIM 612301.
TNFRSF11A-related disorder. Also called: TNFRSF11A-related condition.

Allele frequency attached by ClinVar (database versions not stated): ExAC 0.00021; gnomAD 0.00029 and 0.00032; TOPMed 0.00041; ESP Exome Variant Server 0.00062.
gnomAD v4.1: 556 of 1,614,090 alleles (0.034%); highest among the groups gnomAD compares: Non-Finnish European, 0.042%; no homozygotes.

Submissions (6):

Labcorp Genetics (formerly Invitae), Labcorp
Classification: Likely benign. Last evaluated: 2025-12-02. Review status: criteria provided, single submitter. Criteria: Invitae Variant Classification Sherloc (09022015). Collection method: clinical testing. Allele origin: germline.

CeGaT Center for Human Genetics Tuebingen
Classification: Likely benign. Last evaluated: 2025-10-01. Review status: criteria provided, single submitter. Criteria: CeGaT Center For Human Genetics Tuebingen Variant Classification Criteria Version 2. Collection method: clinical testing. Allele origin: germline. Affected: yes. Observed: 2 variant alleles.
Comment: TNFRSF11A: BP4, BP7

Blueprint Genetics
Classification: Likely benign. Last evaluated: 2024-10-17. Review status: criteria provided, single submitter. Criteria: ACMG Guidelines, 2015. Collection method: clinical testing. Allele origin: germline.

Illumina Laboratory Services, Illumina
Classification: Uncertain significance for Paget disease of bone 2, early-onset. Last evaluated: 2018-01-12. Review status: criteria provided, single submitter. Criteria: ICSL Variant Classification Criteria 13 December 2019. Collection method: clinical testing. Allele origin: germline.

Illumina Laboratory Services, Illumina
Classification: Uncertain significance for Autosomal recessive osteopetrosis 7. Last evaluated: 2018-01-12. Review status: criteria provided, single submitter. Criteria: ICSL Variant Classification Criteria 13 December 2019. Collection method: clinical testing. Allele origin: germline.

PreventionGenetics, part of Exact Sciences
Classification: Likely benign for TNFRSF11A-related condition. Last evaluated: 2024-01-05. Review status: no assertion criteria provided. Collection method: clinical testing. Allele origin: germline. Not counted in ClinVar's aggregate classification.
Comment: This variant is classified as likely benign based on ACMG/AMP sequence variant interpretation guidelines (Richards et al. 2015 PMID: 25741868, with internal and published modifications).

NM_003839.4(TNFRSF11A):c.999C>T (p.Thr333=)

Gene: TNFRSF11A (TNF receptor superfamily member 11a; plus strand). Cytogenetic location: 18q21.33.
Variant type: single nucleotide variant.
Coding change: c.999C>T on transcript NM_003839.4 (MANE Select); coding-DNA position 999, C replaced by T.
Protein change: p.Thr333=; no amino-acid change (threonine 333 retained).
Molecular consequence: synonymous variant. On other transcripts: intron variant (3).
Genome position (GRCh38, 1-based): chr18:62,368,916, C>T. VCF-style: chr18-62368916-C-T. GRCh37 (hg19) VCF-style: chr18-60036149-C-T.
Other names: c.957C>T, p.Thr319= (NM_001278268.2); c.783+2156C>T (NM_001270949.2); c.730+7123C>T (NM_001270950.2); c.616+8867C>T (NM_001270951.2).
Identifiers: ClinVar variation 327735 (VCV000327735.38), dbSNP rs138204772, ClinGen allele CA8983902.